The following is an entry in ClinVar:

NM_001387777.1(TNS1):c.1548C>T (p.Ala516=)

Gene: TNS1 (tensin 1; minus strand). Cytogenetic location: 2q35.
Variant type: single nucleotide variant.
Coding change: c.1548C>T on transcript NM_001387777.1 (MANE Select); coding-DNA position 1548, C replaced by T.
Protein change: p.Ala516=; no amino-acid change (alanine 516 retained).
Molecular consequence: synonymous variant.
Genome position (GRCh38, 1-based): chr2:217,848,969, G>A on the plus strand (C>T on the coding strand, the complement: TNS1 is on the minus strand). VCF-style: chr2-217848969-G-A. GRCh37 (hg19) VCF-style: chr2-218713692-G-A.
Other names: c.1173C>T, p.Ala391= (NM_001308022.2, NM_001308023.2, NM_022648.7).
Identifiers: ClinVar variation 3040747 (VCV003040747.2), dbSNP rs143857677, ClinGen allele CA2100451.
Genomic context (GRCh38, chr2:217,848,969, plus strand): 5'-GGCTGTGGAGTTGCCCGAGTCGCTGCTCACAGAAAGCGTGTGTTCCACGTGGTTGGGGGT[G>A]GCCGACAGTGTAGGACGTGTGGCATTAACAGCCCCGGTGCTGCCGTGCAGGGAGTCTTTC-3'
Protein context (NP_001374706.1, residues 506-526): AVNATRPTLS[Ala516=]TPNHVEHTLS

ClinVar aggregate classification (germline): Likely benign (0 of 4 stars; one submission).

Conditions:
TNS1-related disorder. Also called: TNS1-related condition.

Allele frequency attached by ClinVar (database versions not stated): TOPMed 0.00015; gnomAD 0.00017; gnomAD exomes 0.00021; ExAC 0.00031; 1000 Genomes Project 30x 0.00078; 1000 Genomes Project 0.00100.
gnomAD v4.1: 335 of 1,614,134 alleles (0.021%); highest among the groups gnomAD compares: East Asian, 0.7%; 1 homozygote.

Submission:

PreventionGenetics, part of Exact Sciences
Classification: Likely benign for TNS1-related condition. Last evaluated: 2019-09-20. Review status: no assertion criteria provided. Collection method: clinical testing. Allele origin: germline.
Comment: This variant is classified as likely benign based on ACMG/AMP sequence variant interpretation guidelines (Richards et al. 2015 PMID: 25741868, with internal and published modifications).